The following is an entry in ClinVar:

NM_172351.3(CD46):c.230A>G (p.His77Arg)

Gene: CD46 (CD46 molecule; plus strand). Cytogenetic location: 1q32.2.
Variant type: single nucleotide variant.
Coding change: c.230A>G on transcript NM_172351.3 (MANE Select); coding-DNA position 230, A replaced by G.
Protein change: p.His77Arg; replaces histidine 77 with arginine.
Molecular consequence: missense variant.
Genome position (GRCh38, 1-based): chr1:207,757,146, A>G. VCF-style: chr1-207757146-A-G. GRCh37 (hg19) VCF-style: chr1-207930491-A-G.
Other names: c.230A>G, p.His77Arg (NM_172358.3, NM_172359.3, NM_172361.3 and 8 more transcripts); short protein forms H77R.
Identifiers: ClinVar variation 2771465 (VCV002771465.3), dbSNP rs2526402172, ClinGen allele CA344548189.

ClinVar aggregate classification (germline): Uncertain significance (1 of 4 stars; one submission).

Allele frequency attached by ClinVar (database versions not stated): gnomAD exomes below 0.00001.
gnomAD v4.1: 1 of 1,613,974 alleles (0.000062%); highest among the groups gnomAD compares: Non-Finnish European, 0.000085%; no homozygotes.

Submission:

Labcorp Genetics (formerly Invitae), Labcorp
Classification: Uncertain significance. Last evaluated: 2023-12-02. Review status: criteria provided, single submitter. Criteria: Invitae Variant Classification Sherloc (09022015). Collection method: clinical testing. Allele origin: germline.
Comment: This sequence change replaces histidine, which is basic and polar, with arginine, which is basic and polar, at codon 77 of the CD46 protein (p.His77Arg). This variant is not present in population databases (gnomAD no frequency). This variant has not been reported in the literature in individuals affected with CD46-related conditions. Advanced modeling of protein sequence and biophysical properties (such as structural, functional, and spatial information, amino acid conservation, physicochemical variation, residue mobility, and thermodynamic stability) performed at Invitae indicates that this missense variant is not expected to disrupt CD46 protein function with a negative predictive value of 80%. In summary, the available evidence is currently insufficient to determine the role of this variant in disease. Therefore, it has been classified as a Variant of Uncertain Significance.